The following is an entry in ClinVar:

NM_001197104.2(KMT2A):c.2348C>T (p.Ser783Phe)

Gene: KMT2A (lysine methyltransferase 2A; plus strand). Cytogenetic location: 11q23.3.
Variant type: single nucleotide variant.
Coding change: c.2348C>T on transcript NM_001197104.2 (MANE Select); coding-DNA position 2348, C replaced by T.
Protein change: p.Ser783Phe; replaces serine 783 with phenylalanine.
Molecular consequence: missense variant.
Genome position (GRCh38, 1-based): chr11:118,473,507, C>T. VCF-style: chr11-118473507-C-T. GRCh37 (hg19) VCF-style: chr11-118344222-C-T.
Other names: c.2348C>T, p.Ser783Phe (NM_005933.4); short protein forms S783F.
Identifiers: ClinVar variation 1414520 (VCV001414520.6), dbSNP rs200946943, ClinGen allele CA382814735.
Genomic context (GRCh38, chr11:118,473,507, plus strand): 5'-GTAGTTCTGAGCTCTCACCTCTCACCCCCCCGTCTTCTGTCTCTTCCTCGTTAAGCATTT[C>T]TGTTAGTCCTCTTGCCACTAGTGCCTTAAACCCAACTTTTACTTTTCCTTCTCATTCCCT-3'
Protein context (NP_001184033.1, residues 773-793): PSSVSSSLSI[Ser783Phe]VSPLATSALN

ClinVar aggregate classification (germline): Uncertain significance (1 of 4 stars; one submission).

Submission:

Labcorp Genetics (formerly Invitae), Labcorp
Classification: Uncertain significance. Last evaluated: 2023-11-12. Review status: criteria provided, single submitter. Criteria: Invitae Variant Classification Sherloc (09022015). Collection method: clinical testing. Allele origin: germline.
Comment: This sequence change replaces serine, which is neutral and polar, with phenylalanine, which is neutral and non-polar, at codon 783 of the KMT2A protein (p.Ser783Phe). This variant is not present in population databases (gnomAD no frequency). This variant has not been reported in the literature in individuals affected with KMT2A-related conditions. ClinVar contains an entry for this variant (Variation ID: 1414520). Advanced modeling of protein sequence and biophysical properties (such as structural, functional, and spatial information, amino acid conservation, physicochemical variation, residue mobility, and thermodynamic stability) has been performed at Invitae for this missense variant, however the output from this modeling did not meet the statistical confidence thresholds required to predict the impact of this variant on KMT2A protein function. In summary, the available evidence is currently insufficient to determine the role of this variant in disease. Therefore, it has been classified as a Variant of Uncertain Significance.